The following is an entry in ClinVar:

ClinVar aggregate classification (germline): Conflicting classifications of pathogenicity. Review status: criteria provided, conflicting classifications (1 of 4 stars). 3 submissions from 3 submitters: Uncertain significance (1); Likely benign (2). Last evaluated 2025-01-23.

Conditions:
Inborn genetic diseases. Identifiers: MedGen C0950123, MeSH D030342.
CFHR5 deficiency. Identifiers: MedGen C3553720.

Allele frequency attached by ClinVar (database versions not stated): TOPMed below 0.00001; ExAC 0.00001.

Submissions (3):

Ambry Genetics
Classification: Likely benign for Inborn genetic diseases. Last evaluated: 2025-01-23. Review status: criteria provided, single submitter. Criteria: Ambry Variant Classification Scheme 2023. Collection method: clinical testing. Allele origin: germline.

Clinical Genomics Laboratory, Washington University in St. Louis
Classification: Uncertain significance for C3 glomerulonephritis. Last evaluated: 2024-04-09. Review status: criteria provided, single submitter. Criteria: ACMG Guidelines, 2015. Collection method: clinical testing. Allele origin: germline.
Comment: The CFHR5 c.617G>A (p.Arg206Gln) variant, to our knowledge, has not been reported in association with renal disease in the medical literature. This variant is only observed on 2/251,100 alleles in the general population (gnomAD v2.1.1), indicating it is not a common variant. Computational predictors suggest that the variant does not impact CFHR5 function. Due to limited information, and based on ACMG/AMP guidelines for variant interpretation (Richards S et al., PMID: 25741868), the clinical significance of the CFHR5 c.617G>A (p.Arg206Gln) variant is uncertain at this time.

Blueprint Genetics
Classification: Likely benign. Last evaluated: 2022-11-14. Review status: criteria provided, single submitter. Criteria: ACMG Guidelines, 2015. Collection method: clinical testing. Allele origin: germline.

NM_030787.4(CFHR5):c.617G>A (p.Arg206Gln)

Gene: CFHR5 (complement factor H related 5; plus strand). Cytogenetic location: 1q31.3.
Variant type: single nucleotide variant.
Coding change: c.617G>A on transcript NM_030787.4 (MANE Select); coding-DNA position 617, G replaced by A.
Protein change: p.Arg206Gln; replaces arginine 206 with glutamine.
Molecular consequence: missense variant.
Genome position (GRCh38, 1-based): chr1:196,995,726, G>A. VCF-style: chr1-196995726-G-A. GRCh37 (hg19) VCF-style: chr1-196964856-G-A.
Other names: short protein forms R206Q.
Identifiers: ClinVar variation 3237432 (VCV003237432.3), dbSNP rs777505173.